The following is an entry in ClinVar:

ClinVar aggregate classification (germline): Uncertain significance. Review status: criteria provided, multiple submitters, no conflicts (2 of 4 stars). 2 submissions from 2 submitters: Uncertain significance (2). Last evaluated 2026-02-10.

Conditions:
GFM1-related disorder. Also called: GFM1-related condition.
Inborn genetic diseases. Identifiers: MedGen C0950123, MeSH D030342.

gnomAD v4.1: 44 of 1,613,930 alleles (0.0027%); highest among the groups gnomAD compares: East Asian, 0.018%; no homozygotes.

Submissions (2):

PreventionGenetics, part of Exact Sciences
Classification: Uncertain significance for GFM1-related condition. Last evaluated: 2026-02-10. Review status: criteria provided, single submitter. Criteria: ACMG Guidelines, 2015. Collection method: clinical testing. Allele origin: germline.
Comment: The GFM1 c.1940G>A variant is predicted to result in the amino acid substitution p.Arg647Gln. To our knowledge, this variant has not been reported in the literature. This variant is reported in 0.0050% of alleles in individuals of East Asian descent in gnomAD. At this time, the clinical significance of this variant is uncertain due to the absence of conclusive functional and genetic evidence.

Ambry Genetics
Classification: Uncertain significance for Inborn genetic diseases. Last evaluated: 2024-10-01. Review status: criteria provided, single submitter. Criteria: Ambry Variant Classification Scheme 2023. Collection method: clinical testing. Allele origin: germline.

NM_024996.7(GFM1):c.1883G>A (p.Arg628Gln)

Gene: GFM1 (G elongation factor mitochondrial 1; plus strand). Cytogenetic location: 3q25.32.
Variant type: single nucleotide variant.
Coding change: c.1883G>A on transcript NM_024996.7 (MANE Select); coding-DNA position 1883, G replaced by A.
Protein change: p.Arg628Gln; replaces arginine 628 with glutamine.
Molecular consequence: missense variant. On other transcripts: non-coding transcript variant (2).
Genome position (GRCh38, 1-based): chr3:158,684,642, G>A. VCF-style: chr3-158684642-G-A. GRCh37 (hg19) VCF-style: chr3-158402431-G-A.
Other names: c.1940G>A (NM_001308164.1); c.1940G>A, p.Arg647Gln (NM_001308164.2); c.1802G>A, p.Arg601Gln (NM_001374355.1); c.1766G>A, p.Arg589Gln (NM_001374356.1); c.1658G>A, p.Arg553Gln (NM_001374357.1); c.1424G>A, p.Arg475Gln (NM_001374358.1); c.1316G>A, p.Arg439Gln (NM_001374359.1, NM_001374360.1); c.1199G>A, p.Arg400Gln (NM_001374361.1); short protein forms R647Q, R553Q, R439Q, R475Q, R589Q, R628Q, R400Q, R601Q.
Identifiers: ClinVar variation 3519864 (VCV003519864.2).
Genomic context (GRCh38, chr3:158,684,642, plus strand): 5'-GGTTTGTCCTGCAAGATGGAGCACACCACATGGTTGATTCTAATGAAATCTCTTTCATCC[G>A]AGCAGGAGAAGGTGCTCTTAAACAAGGTATGCTGGGTCCGGGCACCTTAGCCTGTCTGTT-3'
Protein context (NP_079272.4, residues 618-638): MVDSNEISFI[Arg628Gln]AGEGALKQAL